The following is an entry in ClinVar:

ClinVar aggregate classification (germline): Uncertain significance. Review status: criteria provided, multiple submitters, no conflicts (2 of 4 stars). 3 submissions from 3 submitters: Uncertain significance (2). 1 of the submissions does not count toward it. Last evaluated 2024-09-14.

Conditions:
Jeune thoracic dystrophy. Also called: Jeune syndrome; Infantile thoracic dystrophy; Thoracic pelvic phalangeal dystrophy; Jeune's syndrome; Chondroectodermal dysplasia-like syndrome; Short-rib thoracic dysplasia. Identifiers: Orphanet 474, MedGen C0265275, MONDO:0018770.
Intellectual disability. Also called: Intellectual functioning disability; Intellectual developmental disorder; intellectual disabilities. Identifiers: MedGen C3714756, MeSH D008607, MONDO:0001071, HP:0001249.

Submissions (3):

Blueprint Genetics
Classification: Uncertain significance. Last evaluated: 2024-09-14. Review status: criteria provided, single submitter. Criteria: ACMG Guidelines, 2015. Collection method: clinical testing. Allele origin: germline.

Labcorp Genetics (formerly Invitae), Labcorp
Classification: Uncertain significance for Jeune thoracic dystrophy. Last evaluated: 2022-08-20. Review status: criteria provided, single submitter. Criteria: Invitae Variant Classification Sherloc (09022015). Collection method: clinical testing. Allele origin: germline.
Comment: This variant, c.10205_10207del, results in the deletion of 1 amino acid(s) of the DYNC2H1 protein (p.Thr3402del), but otherwise preserves the integrity of the reading frame. This variant is present in population databases (rs572595399, gnomAD 0.02%). This variant has not been reported in the literature in individuals affected with DYNC2H1-related conditions. ClinVar contains an entry for this variant (Variation ID: 975386). Experimental studies and prediction algorithms are not available or were not evaluated, and the functional significance of this variant is currently unknown. In summary, the available evidence is currently insufficient to determine the role of this variant in disease. Therefore, it has been classified as a Variant of Uncertain Significance.

Centre de Biologie Pathologie Génétique, Centre Hospitalier Universitaire de Lille
Classification: Likely benign for Intellectual disability. Last evaluated: 2019-01-01. Review status: no assertion criteria provided. Collection method: clinical testing. Allele origin: inherited. Affected: yes. Not counted in ClinVar's aggregate classification.

NM_001377.3(DYNC2H1):c.10181CAA[1] (p.Thr3395del)

Gene: DYNC2H1 (dynein cytoplasmic 2 heavy chain 1; plus strand). Cytogenetic location: 11q22.3.
Variant type: Microsatellite.
Coding change: c.10181CAA[1] on transcript NM_001377.3 (MANE Select); one copy of the 3-base unit CAA starting at c.10181; the reference has two copies in a row; one copy, 3 bases deleted.
Protein change: p.Thr3395del; deletes threonine 3395.
Molecular consequence: inframe deletion.
Genome position (GRCh38, 1-based): chr11:103,253,426-103,253,428, CAA deleted; deleting any 3 consecutive bases within chr11:103,253,422-103,253,428 gives the same sequence; the position shown is the placement nearest the transcript's 3' end. VCF-style (leftmost placement, unchanged base first): chr11-103253421-TACA-T. GRCh37 (hg19) VCF-style: chr11-103124150-TACA-T.
Other names: c.10202CAA[1], p.Thr3402del (NM_001080463.2); short protein forms T3395del, T3402del.
Identifiers: ClinVar variation 975386 (VCV000975386.5), dbSNP rs572595399, ClinGen allele CA6254904.